The following is an entry in ClinVar:

NM_001367624.2(ZNF469):c.1000C>A (p.Pro334Thr)

Gene: ZNF469 (zinc finger protein 469; plus strand). Cytogenetic location: 16q24.2.
Variant type: single nucleotide variant.
Coding change: c.1000C>A on transcript NM_001367624.2 (MANE Select); coding-DNA position 1000, C replaced by A.
Protein change: p.Pro334Thr; replaces proline 334 with threonine.
Molecular consequence: missense variant.
Genome position (GRCh38, 1-based): chr16:88,428,470, C>A. VCF-style: chr16-88428470-C-A. GRCh37 (hg19) VCF-style: chr16-88494878-C-A.
Other names: short protein forms P334T.
Identifiers: ClinVar variation 4687447 (VCV004687447.1).

ClinVar aggregate classification (germline): Uncertain significance (1 of 4 stars; one submission).

Submission:

Women's Health and Genetics/Laboratory Corporation of America, LabCorp
Classification: Uncertain significance. Last evaluated: 2025-10-08. Review status: criteria provided, single submitter. Criteria: LabCorp Variant Classification Summary - May 2015. Collection method: clinical testing. Allele origin: germline.
Comment: Variant summary: ZNF469 c.1000C>A (p.Pro334Thr) results in a non-conservative amino acid change in the encoded protein sequence. Algorithms developed to predict the effect of missense changes on protein structure and function are either unavailable or do not agree on the potential impact of this missense change. The variant was absent in 148020 control chromosomes. The available data on variant occurrences in the general population are insufficient to allow any conclusion about variant significance. To our knowledge, no occurrence of c.1000C>A in individuals affected with ZNF469-related conditions and no experimental evidence demonstrating its impact on protein function have been reported. No submitters have cited clinical-significance assessments for this variant to ClinVar. Based on the evidence outlined above, the variant was classified as uncertain significance.